The following is an entry in ClinVar:

NM_003482.4(KMT2D):c.13390C>A (p.Gln4464Lys)

Gene: KMT2D (lysine methyltransferase 2D; minus strand). Cytogenetic location: 12q13.12.
Variant type: single nucleotide variant.
Coding change: c.13390C>A on transcript NM_003482.4 (MANE Select); coding-DNA position 13390, C replaced by A.
Protein change: p.Gln4464Lys; replaces glutamine 4464 with lysine.
Molecular consequence: missense variant.
Genome position (GRCh38, 1-based): chr12:49,031,315, G>T on the plus strand (C>A on the coding strand, the complement: KMT2D is on the minus strand). VCF-style: chr12-49031315-G-T. GRCh37 (hg19) VCF-style: chr12-49425098-G-T.
Other names: short protein forms Q4464K.
Identifiers: ClinVar variation 3339922 (VCV003339922.3).
Genomic context (GRCh38, chr12:49,031,315, plus strand): 5'-GCAGCCCCTCGGACCCCCGCCCAGTGCTGAGTTGCACATTCTTTGCCCGGAGTAGCTTCT[G>T]CAAGAGCAGATGCCCAGCTTCTGAGCGAGGGCCTGCCAGCAGGAGGTGGTTGCTGGTTCC-3'
Protein context (NP_003473.3, residues 4454-4474): PRSEAGHLLL[Gln4464Lys]KLLRAKNVQL

ClinVar aggregate classification (germline): Uncertain significance. Review status: criteria provided, multiple submitters, no conflicts (2 of 4 stars). 2 submissions from 2 submitters: Uncertain significance (2). Last evaluated 2024-06-20.

Conditions:
Kabuki syndrome. Also called: NIIKAWA-KUROKI SYNDROME; Kabuki make-up syndrome. Identifiers: Orphanet 2322, MedGen C0796004, MONDO:0016512.

gnomAD v4.1: 10 of 1,613,590 alleles (0.00062%); highest among the groups gnomAD compares: Non-Finnish European, 0.00085%; no homozygotes.

Submissions (2):

Women's Health and Genetics/Laboratory Corporation of America, LabCorp
Classification: Uncertain significance. Last evaluated: 2024-06-20. Review status: criteria provided, single submitter. Criteria: LabCorp Variant Classification Summary - May 2015. Collection method: clinical testing. Allele origin: germline.
Comment: Variant summary: KMT2D c.13390C>A (p.Gln4464Lys) results in a conservative amino acid change in the encoded protein sequence. Three of five in-silico tools predict a damaging effect of the variant on protein function. The variant was absent in 248996 control chromosomes (gnomAD). The available data on variant occurrences in the general population are insufficient to allow any conclusion about variant significance. To our knowledge, no occurrence of c.13390C>A in individuals affected with Kabuki Syndrome 1 and no experimental evidence demonstrating its impact on protein function have been reported. No submitters have cited clinical-significance assessments for this variant to ClinVar. Based on the evidence outlined above, the variant was classified as uncertain significance.

Labcorp Genetics (formerly Invitae), Labcorp
Classification: Uncertain significance for Kabuki syndrome. Last evaluated: 2024-03-09. Review status: criteria provided, single submitter. Criteria: Invitae Variant Classification Sherloc (09022015). Collection method: clinical testing. Allele origin: germline.
Comment: This sequence change replaces glutamine, which is neutral and polar, with lysine, which is basic and polar, at codon 4464 of the KMT2D protein (p.Gln4464Lys). This variant is not present in population databases (gnomAD no frequency). This variant has not been reported in the literature in individuals affected with KMT2D-related conditions. Advanced modeling of protein sequence and biophysical properties (such as structural, functional, and spatial information, amino acid conservation, physicochemical variation, residue mobility, and thermodynamic stability) performed at Invitae indicates that this missense variant is not expected to disrupt KMT2D protein function with a negative predictive value of 95%. In summary, the available evidence is currently insufficient to determine the role of this variant in disease. Therefore, it has been classified as a Variant of Uncertain Significance.